The following is an entry in ClinVar:

ClinVar aggregate classification (germline): Conflicting classifications of pathogenicity. Review status: criteria provided, conflicting classifications (1 of 4 stars). 6 submissions from 6 submitters: Uncertain significance (1); Likely benign (4). 1 of the submissions does not count toward it. Last evaluated 2026-08-01.

Conditions:
Kabuki syndrome. Also called: Kabuki make-up syndrome; NIIKAWA-KUROKI SYNDROME. Identifiers: Orphanet 2322, MedGen C0796004, MONDO:0016512.
KMT2D-related disorder. Also called: KMT2D-Related Disorders.

Allele frequency attached by ClinVar (database versions not stated): gnomAD 0.00013 and 0.00014; ExAC 0.00015; ESP Exome Variant Server 0.00016; TOPMed 0.00018.
gnomAD v4.1: 290 of 1,613,482 alleles (0.018%); highest among the groups gnomAD compares: Middle Eastern, 0.016%; 1 homozygote.

Submissions (6):

CeGaT Center for Human Genetics Tuebingen
Classification: Likely benign. Last evaluated: 2026-08-01. Review status: criteria provided, single submitter. Criteria: CeGaT Center For Human Genetics Tuebingen Variant Classification Criteria Version 2. Collection method: clinical testing. Allele origin: germline. Affected: yes. Observed: 4 variant alleles.
Comment: KMT2D: BP4, BP7

Labcorp Genetics (formerly Invitae), Labcorp
Classification: Likely benign for Kabuki syndrome. Last evaluated: 2026-01-27. Review status: criteria provided, single submitter. Criteria: Invitae Variant Classification Sherloc (09022015). Collection method: clinical testing. Allele origin: germline.

Blueprint Genetics
Classification: Likely benign. Last evaluated: 2024-10-31. Review status: criteria provided, single submitter. Criteria: ACMG Guidelines, 2015. Collection method: clinical testing. Allele origin: germline.

Eurofins Ntd Llc (ga)
Classification: Likely benign. Last evaluated: 2018-06-05. Review status: criteria provided, single submitter. Criteria: EGL ClinVar v180209 classification definitions. Collection method: clinical testing. Allele origin: germline. Observed: 2 variant alleles, 2 heterozygotes.

Genetic Services Laboratory, University of Chicago
Classification: Uncertain significance. Last evaluated: 2016-11-07. Review status: criteria provided, single submitter. Criteria: ACMG Guidelines, 2015. Collection method: clinical testing. Allele origin: germline. Affected: no.

PreventionGenetics, part of Exact Sciences
Classification: Likely benign for KMT2D-related condition. Last evaluated: 2024-03-21. Review status: no assertion criteria provided. Collection method: clinical testing. Allele origin: germline. Not counted in ClinVar's aggregate classification.
Comment: This variant is classified as likely benign based on ACMG/AMP sequence variant interpretation guidelines (Richards et al. 2015 PMID: 25741868, with internal and published modifications).

NM_003482.4(KMT2D):c.3813A>T (p.Leu1271=)

Genes: KMT2D (lysine methyltransferase 2D; minus strand), LOC126861520 (CDK7 strongly-dependent group 2 enhancer GRCh37_chr12:49442744-49443943; plus strand). Cytogenetic location: 12q13.12.
Variant type: single nucleotide variant.
Coding change: c.3813A>T on transcript NM_003482.4 (MANE Select); coding-DNA position 3813, A replaced by T.
Protein change: p.Leu1271=; no amino-acid change (leucine 1271 retained).
Molecular consequence: synonymous variant.
Genome position (GRCh38, 1-based): chr12:49,049,775, T>A on the plus strand (A>T on the coding strand, the complement: KMT2D is on the minus strand). VCF-style: chr12-49049775-T-A. GRCh37 (hg19) VCF-style: chr12-49443558-T-A.
Identifiers: ClinVar variation 285554 (VCV000285554.45), dbSNP rs201794205, ClinGen allele CA6547988.